The following is an entry in ClinVar:

ClinVar aggregate classification (germline): Uncertain significance (1 of 4 stars; one submission).

Allele frequency attached by ClinVar (database versions not stated): TOPMed below 0.00001; gnomAD 0.00001.

Submission:

GeneDx
Classification: Uncertain significance. Last evaluated: 2022-04-15. Review status: criteria provided, single submitter. Criteria: GeneDx Variant Classification Process June 2021. Collection method: clinical testing. Allele origin: germline. Affected: yes.
Comment: Not observed at significant frequency in large population cohorts (gnomAD); In silico analysis supports that this missense variant has a deleterious effect on protein structure/function; Has not been previously published as pathogenic or benign to our knowledge

NM_005631.5(SMO):c.1255C>T (p.Leu419Phe)

Gene: SMO (smoothened, frizzled class receptor; plus strand). Cytogenetic location: 7q32.1.
Variant type: single nucleotide variant.
Coding change: c.1255C>T on transcript NM_005631.5 (MANE Select); coding-DNA position 1255, C replaced by T.
Protein change: p.Leu419Phe; replaces leucine 419 with phenylalanine.
Molecular consequence: missense variant.
Genome position (GRCh38, 1-based): chr7:129,206,578, C>T. VCF-style: chr7-129206578-C-T. GRCh37 (hg19) VCF-style: chr7-128846419-C-T.
Other names: short protein forms L419F.
Identifiers: ClinVar variation 1710822 (VCV001710822.2), dbSNP rs1382535412, ClinGen allele CA369244418.